The following is an entry in ClinVar:

ClinVar aggregate classification (germline): Uncertain significance. Review status: criteria provided, multiple submitters, no conflicts (2 of 4 stars). 3 submissions from 3 submitters: Uncertain significance (3). Last evaluated 2025-12-08.

Conditions:
Primary ciliary dyskinesia. Also called: Ciliary dyskinesia. Identifiers: Orphanet 244, MedGen C0008780, MONDO:0016575, HP:0012265.
Primary ciliary dyskinesia 23 (CILD23). Also called: CILIARY DYSKINESIA, PRIMARY, 23, WITH OR WITHOUT SITUS INVERSUS. Identifiers: Orphanet 244, MedGen C3809548, MONDO:0014193, OMIM 615451.

Allele frequency attached by ClinVar (database versions not stated): TOPMed 0.00002; ExAC 0.00004; gnomAD 0.00004 and 0.00005; gnomAD exomes 0.00004; ESP Exome Variant Server 0.00008.
gnomAD v4.1: 69 of 1,613,730 alleles (0.0043%); highest among the groups gnomAD compares: Middle Eastern, 0.033%; no homozygotes.

Submissions (3):

Labcorp Genetics (formerly Invitae), Labcorp
Classification: Uncertain significance for Primary ciliary dyskinesia 23. Last evaluated: 2025-12-08. Review status: criteria provided, single submitter. Criteria: Invitae Variant Classification Sherloc (09022015). Collection method: clinical testing. Allele origin: germline.
Comment: This sequence change replaces valine, which is neutral and non-polar, with methionine, which is neutral and non-polar, at codon 854 of the ARMC4 protein (p.Val854Met). The frequency data for this variant in the population databases is considered unreliable, as metrics indicate poor data quality at this position in the gnomAD database. This variant has not been reported in the literature in individuals affected with ARMC4-related conditions. ClinVar contains an entry for this variant (Variation ID: 1681348). An algorithm developed to predict the effect of missense changes on protein structure and function (PolyPhen-2) suggests that this variant is likely to be disruptive. In summary, the available evidence is currently insufficient to determine the role of this variant in disease. Therefore, it has been classified as a Variant of Uncertain Significance.

Ambry Genetics
Classification: Uncertain significance for Primary ciliary dyskinesia. Last evaluated: 2025-03-26. Review status: criteria provided, single submitter. Criteria: Ambry Variant Classification Scheme 2023. Collection method: clinical testing. Allele origin: germline.

Clinical Genetics Laboratory, Skane University Hospital Lund
Classification: Uncertain significance. Last evaluated: 2023-05-22. Review status: criteria provided, single submitter. Criteria: ACMG Guidelines, 2015. Collection method: clinical testing. Allele origin: germline. Affected: yes.

NM_018076.5(ODAD2):c.2560G>A (p.Val854Met)

Gene: ODAD2 (outer dynein arm docking complex subunit 2; minus strand). Cytogenetic location: 10p12.1.
Variant type: single nucleotide variant.
Coding change: c.2560G>A on transcript NM_018076.5 (MANE Select); coding-DNA position 2560, G replaced by A.
Protein change: p.Val854Met; replaces valine 854 with methionine.
Molecular consequence: missense variant.
Genome position (GRCh38, 1-based): chr10:27,907,713, C>T on the plus strand (G>A on the coding strand, the complement: ODAD2 is on the minus strand). VCF-style: chr10-27907713-C-T. GRCh37 (hg19) VCF-style: chr10-28196642-C-T.
Other names: c.2560G>A, p.Val854Met (NM_001290020.2); c.1135G>A, p.Val379Met (NM_001290021.2); c.1636G>A, p.Val546Met (NM_001312689.2); short protein forms V379M, V546M, V854M.
Identifiers: ClinVar variation 1681348 (VCV001681348.11), dbSNP rs371924761, ClinGen allele CA5453171.